The following is an entry in ClinVar:

ClinVar aggregate classification (germline): Uncertain significance. Review status: criteria provided, single submitter (1 of 4 stars). 2 submissions from 2 submitters: Uncertain significance (1). 1 of the submissions does not count toward it. Last evaluated 2018-01-13.

Conditions:
WDR72-related disorder. Also called: WDR72-related condition.
Amelogenesis imperfecta hypomaturation type 2A3. Also called: Amelogenesis imperfecta, type IIA3. Identifiers: Orphanet 88661, MedGen C2750771, MONDO:0013181, OMIM 613211. Disease mechanism: loss of function.

Allele frequency attached by ClinVar (database versions not stated): TOPMed 0.00079; 1000 Genomes Project 0.00080; 1000 Genomes Project 30x 0.00094.
gnomAD v4.1: 2,055 of 1,612,870 alleles (0.13%); highest among the groups gnomAD compares: South Asian, 0.1%; 11 homozygotes.

Submissions (2):

Illumina Laboratory Services, Illumina
Classification: Uncertain significance for Amelogenesis imperfecta hypomaturation type 2A3. Last evaluated: 2018-01-13. Review status: criteria provided, single submitter. Criteria: ICSL Variant Classification Criteria 13 December 2019. Collection method: clinical testing. Allele origin: germline.

PreventionGenetics, part of Exact Sciences
Classification: Likely benign for WDR72-related condition. Last evaluated: 2019-03-29. Review status: no assertion criteria provided. Collection method: clinical testing. Allele origin: germline. Not counted in ClinVar's aggregate classification.
Comment: This variant is classified as likely benign based on ACMG/AMP sequence variant interpretation guidelines (Richards et al. 2015 PMID: 25741868, with internal and published modifications).

NM_182758.4(WDR72):c.2694A>G (p.Ser898=)

Gene: WDR72 (WD repeat domain 72; minus strand). Cytogenetic location: 15q21.3.
Variant type: single nucleotide variant.
Coding change: c.2694A>G on transcript NM_182758.4 (MANE Select); coding-DNA position 2694, A replaced by G.
Protein change: p.Ser898=; no amino-acid change (serine 898 retained).
Molecular consequence: synonymous variant. On other transcripts: non-coding transcript variant (1).
Genome position (GRCh38, 1-based): chr15:53,615,512, T>C on the plus strand (A>G on the coding strand, the complement: WDR72 is on the minus strand). VCF-style: chr15-53615512-T-C. GRCh37 (hg19) VCF-style: chr15-53907709-T-C.
Identifiers: ClinVar variation 316586 (VCV000316586.7), dbSNP rs114363728, ClinGen allele CA7570821.